The following is an entry in ClinVar:

NM_004260.4(RECQL4):c.364G>T (p.Ala122Ser)

Gene: RECQL4 (RecQ like helicase 4; minus strand). Cytogenetic location: 8q24.3.
Variant type: single nucleotide variant.
Coding change: c.364G>T on transcript NM_004260.4 (MANE Select); coding-DNA position 364, G replaced by T.
Protein change: p.Ala122Ser; replaces alanine 122 with serine.
Molecular consequence: missense variant.
Genome position (GRCh38, 1-based): chr8:144,516,755, C>A on the plus strand (G>T on the coding strand, the complement: RECQL4 is on the minus strand). VCF-style: chr8-144516755-C-A. GRCh37 (hg19) VCF-style: chr8-145742139-C-A.
Other names: short protein forms A122S.
Identifiers: ClinVar variation 835771 (VCV000835771.7), dbSNP rs750245958, ClinGen allele CA372691759.

ClinVar aggregate classification (germline): Uncertain significance. Review status: criteria provided, multiple submitters, no conflicts (2 of 4 stars). 2 submissions from 2 submitters: Uncertain significance (2). Last evaluated 2024-12-13.

Conditions:
Inborn genetic diseases. Identifiers: MedGen C0950123, MeSH D030342.
Baller-Gerold syndrome (BGS). Also called: CRANIOSYNOSTOSIS WITH RADIAL DEFECTS. Identifiers: Orphanet 1225, MedGen C0265308, MONDO:0009039, OMIM 218600.

gnomAD v4.1: 1 of 1,521,496 alleles (0.000066%); highest among the groups gnomAD compares: Non-Finnish European, 0.000088%; no homozygotes.

Submissions (2):

Ambry Genetics
Classification: Uncertain significance for Inborn genetic diseases. Last evaluated: 2024-12-13. Review status: criteria provided, single submitter. Criteria: Ambry Variant Classification Scheme 2023. Collection method: clinical testing. Allele origin: germline.
Comment: The p.A122S variant (also known as c.364G>T), located in coding exon 5 of the RECQL4 gene, results from a G to T substitution at nucleotide position 364. The alanine at codon 122 is replaced by serine, an amino acid with similar properties. This amino acid position is conserved. In addition, this alteration is predicted to be tolerated by in silico analysis. Based on the available evidence, the clinical significance of this variant remains unclear.

Labcorp Genetics (formerly Invitae), Labcorp
Classification: Uncertain significance for Baller-Gerold syndrome. Last evaluated: 2024-04-22. Review status: criteria provided, single submitter. Criteria: Invitae Variant Classification Sherloc (09022015). Collection method: clinical testing. Allele origin: germline.
Comment: This sequence change replaces alanine, which is neutral and non-polar, with serine, which is neutral and polar, at codon 122 of the RECQL4 protein (p.Ala122Ser). This variant is not present in population databases (gnomAD no frequency). This variant has not been reported in the literature in individuals affected with RECQL4-related conditions. ClinVar contains an entry for this variant (Variation ID: 835771). Advanced modeling of protein sequence and biophysical properties (such as structural, functional, and spatial information, amino acid conservation, physicochemical variation, residue mobility, and thermodynamic stability) performed at Invitae indicates that this missense variant is not expected to disrupt RECQL4 protein function with a negative predictive value of 80%. In summary, the available evidence is currently insufficient to determine the role of this variant in disease. Therefore, it has been classified as a Variant of Uncertain Significance.